The following is an entry in ClinVar:

ClinVar aggregate classification (germline): Pathogenic (1 of 4 stars; one submission).

Submission:

CeGaT Center for Human Genetics Tuebingen
Classification: Pathogenic. Last evaluated: 2025-11-01. Review status: criteria provided, single submitter. Criteria: CeGaT Center For Human Genetics Tuebingen Variant Classification Criteria Version 2. Collection method: clinical testing. Allele origin: germline. Affected: yes. Observed: 1 variant allele.
Comment: FSIP2: PVS1, PM2

NM_173651.4(FSIP2):c.17848_17851del (p.Thr5950fs)

Gene: FSIP2 (fibrous sheath interacting protein 2; plus strand). Cytogenetic location: 2q32.1.
Variant type: Microsatellite.
Coding change: c.17848_17851del on transcript NM_173651.4 (MANE Select); coding-DNA positions 17848 to 17851, 4 bases deleted (ACTA; older notation c.17848_17851delACTA).
Protein change: p.Thr5950fs; shifts the reading frame from threonine 5950.
Molecular consequence: frameshift variant.
Genome position (GRCh38, 1-based): chr2:185,807,154-185,807,157, ACTA deleted; deleting any 4 consecutive bases within chr2:185,807,150-185,807,157 gives the same sequence; the c. name uses the placement nearest the transcript's 3' end. VCF-style (leftmost placement, unchanged base first): chr2-185807149-GACTA-G. GRCh37 (hg19) VCF-style: chr2-186671876-GACTA-G.
Other names: short protein forms T5950fs.
Identifiers: ClinVar variation 4681487 (VCV004681487.5).
Genomic context (GRCh38, chr2:185,807,149, plus strand): 5'-ATGGATCTCAAGACTCTATTTGGAAGAATATAAACAGTAATGGAGAAAATTTAGCAAGAA[GACTA>G]ACTAGTGCAGTGATAAATGAAATTTTCCAACGTCAGGTTAACTTGATATTTTGTGATGAG-3'